The following is an entry in ClinVar:

ClinVar aggregate classification (germline): Conflicting classifications of pathogenicity. Review status: criteria provided, conflicting classifications (1 of 4 stars). 4 submissions from 4 submitters: Uncertain significance (3); Likely benign (1). Last evaluated 2025-09-18.

Conditions:
Long QT syndrome (LQTS). Identifiers: MedGen C0023976, MeSH D008133, MONDO:0002442. Disease mechanism: loss of function. Inheritance: Various modes of inheritance.

Allele frequency attached by ClinVar (database versions not stated): TOPMed 0.00002; gnomAD 0.00009 and 0.00010; gnomAD exomes 0.00006 and 0.00010; ExAC 0.00012.
gnomAD v4.1: 103 of 1,613,696 alleles (0.0064%); highest among the groups gnomAD compares: Non-Finnish European, 0.0047%; no homozygotes.

Submissions (4):

Mayo Clinic Laboratories, Mayo Clinic
Classification: Likely benign. Last evaluated: 2025-09-18. Review status: criteria provided, single submitter. Criteria: ACMG Guidelines, 2015. Collection method: clinical testing. Allele origin: germline. Observed: 1 variant allele.
Comment: BS1, BP4

Labcorp Genetics (formerly Invitae), Labcorp
Classification: Uncertain significance for Long QT syndrome. Last evaluated: 2024-10-18. Review status: criteria provided, single submitter. Criteria: Invitae Variant Classification Sherloc (09022015). Collection method: clinical testing. Allele origin: germline.
Comment: This sequence change replaces lysine, which is basic and polar, with arginine, which is basic and polar, at codon 1407 of the ANK2 protein (p.Lys1407Arg). This variant is present in population databases (rs200648573, gnomAD 0.07%), and has an allele count higher than expected for a pathogenic variant. This variant has not been reported in the literature in individuals affected with ANK2-related conditions. ClinVar contains an entry for this variant (Variation ID: 191403). Invitae Evidence Modeling of protein sequence and biophysical properties (such as structural, functional, and spatial information, amino acid conservation, physicochemical variation, residue mobility, and thermodynamic stability) has been performed for this missense variant. However, the output from this modeling did not meet the statistical confidence thresholds required to predict the impact of this variant on ANK2 protein function. In summary, the available evidence is currently insufficient to determine the role of this variant in disease. Therefore, it has been classified as a Variant of Uncertain Significance.

Biesecker Lab/Clinical Genomics Section, National Institutes of Health
Classification: Uncertain significance. Last evaluated: 2013-06-24. Review status: criteria provided, single submitter. Criteria: Ng et al. (Circ Cardiovasc Genet. 2013). Collection method: research. Allele origin: unknown. Observed: 1 variant allele. Study: ClinSeq.
Comment: The study set was not selected for affection status in relation to any cancer. Pathogenicity categories were based on literature curation. See Pubmed ID:23861362 for details.

Medical sequencing

Breakthrough Genomics
Classification: Uncertain significance. Review status: criteria provided, single submitter. Criteria: ACMG Guidelines, 2015. Collection method: not provided. Allele origin: germline. Inheritance: Autosomal dominant inheritance. Affected: yes.

NM_001148.6(ANK2):c.4220A>G (p.Lys1407Arg)

Gene: ANK2 (ankyrin 2; plus strand). Cytogenetic location: 4q26.
Variant type: single nucleotide variant.
Coding change: c.4220A>G on transcript NM_001148.6 (MANE Select); coding-DNA position 4220, A replaced by G.
Protein change: p.Lys1407Arg; replaces lysine 1407 with arginine.
Molecular consequence: missense variant.
Genome position (GRCh38, 1-based): chr4:113,343,114, A>G. VCF-style: chr4-113343114-A-G. GRCh37 (hg19) VCF-style: chr4-114264270-A-G.
Other names: p.Lys1407Arg; c.4220A>G (NM_020977.4); c.4193A>G, p.Lys1398Arg (NM_001127493.3); c.4232A>G, p.Lys1411Arg (NM_001354225.2); c.4121A>G, p.Lys1374Arg (NM_001354228.2, NM_001354258.2); c.4199A>G, p.Lys1400Arg (NM_001354230.2); c.4262A>G, p.Lys1421Arg (NM_001354231.2, NM_001354242.2); c.4256A>G, p.Lys1419Arg (NM_001354232.2); and 33 more; short protein forms K1398R, K1407R, K1332R, K1341R, K1345R, K1390R, K1411R, K1419R.
Identifiers: ClinVar variation 191403 (VCV000191403.8), dbSNP rs200648573, ClinGen allele CA236536.